The following is an entry in ClinVar:

NM_005629.4(SLC6A8):c.1254+6C>T

Gene: SLC6A8 (solute carrier family 6 member 8; plus strand). Cytogenetic location: Xq28.
Variant type: single nucleotide variant.
Coding change: c.1254+6C>T on transcript NM_005629.4 (MANE Select); 6 bases into the intron after coding-DNA position 1254, C replaced by T.
Molecular consequence: intron variant.
Genome position (GRCh38, 1-based): chrX:153,694,023, C>T. VCF-style: chrX-153694023-C-T. GRCh37 (hg19) VCF-style: chrX-152959478-C-T.
Other names: c.1224+6C>T (NM_001142805.2); c.909+6C>T (NM_001142806.1).
Identifiers: ClinVar variation 698288 (VCV000698288.13), dbSNP rs782764159, ClinGen allele CA10549454.

ClinVar aggregate classification (germline): Benign. Review status: criteria provided, single submitter (1 of 4 stars). 3 submissions from 3 submitters: Benign (1). 2 of the submissions do not count toward it. Last evaluated 2025-12-28.

Conditions:
Creatine deficiency syndrome 1.
SLC6A8-related disorder. Also called: SLC6A8-related condition.
Creatine transporter deficiency (CCDS1). Also called: Creatine Transporter (CRTR) Deficiency; Mental retardation , X-linked with seizures, short stature and midface hypoplasia; Mental retardation , X-linked, with creatine transport deficiency; X-linked creatine transporter deficiency; X-linked creatine deficiency syndrome; SLC6A8-Related Creatine Transporter Deficiency. Identifiers: Orphanet 52503, MedGen C1845862, MONDO:0010305, OMIM 300352.

Allele frequency attached by ClinVar (database versions not stated): gnomAD exomes 0.00003 and 0.00004; ExAC 0.00004; gnomAD 0.00006; TOPMed 0.00006.
gnomAD v4.1: 48 of 1,176,524 alleles (0.0041%); highest among the groups gnomAD compares: Middle Eastern, 0.029%; no homozygotes.

Submissions (3):

Labcorp Genetics (formerly Invitae), Labcorp
Classification: Benign for Creatine transporter deficiency. Last evaluated: 2025-12-28. Review status: criteria provided, single submitter. Criteria: Invitae Variant Classification Sherloc (09022015). Collection method: clinical testing. Allele origin: germline.

Natera, Inc.
Classification: Likely benign for Creatine deficiency syndrome 1. Last evaluated: 2020-03-27. Review status: no assertion criteria provided. Collection method: clinical testing. Allele origin: germline. Not counted in ClinVar's aggregate classification.

PreventionGenetics, part of Exact Sciences
Classification: Likely benign for SLC6A8-related condition. Last evaluated: 2019-04-29. Review status: no assertion criteria provided. Collection method: clinical testing. Allele origin: germline. Not counted in ClinVar's aggregate classification.
Comment: This variant is classified as likely benign based on ACMG/AMP sequence variant interpretation guidelines (Richards et al. 2015 PMID: 25741868, with internal and published modifications).